The following is an entry in ClinVar:

NM_004370.6(COL12A1):c.3529C>A (p.Leu1177Ile)

Gene: COL12A1 (collagen type XII alpha 1 chain; minus strand). Cytogenetic location: 6q13.
Variant type: single nucleotide variant.
Coding change: c.3529C>A on transcript NM_004370.6 (MANE Select); coding-DNA position 3529, C replaced by A.
Protein change: p.Leu1177Ile; replaces leucine 1177 with isoleucine.
Molecular consequence: missense variant. On other transcripts: intron variant (1).
Genome position (GRCh38, 1-based): chr6:75,154,452, G>T on the plus strand (C>A on the coding strand, the complement: COL12A1 is on the minus strand). VCF-style: chr6-75154452-G-T. GRCh37 (hg19) VCF-style: chr6-75864168-G-T.
Other names: c.74-1970C>A (NM_080645.3); short protein forms L1177I.
Identifiers: ClinVar variation 2026716 (VCV002026716.4), dbSNP rs1442743261, ClinGen allele CA364751194.

ClinVar aggregate classification (germline): Uncertain significance (1 of 4 stars; one submission).

Conditions:
Ullrich congenital muscular dystrophy 2 (UCMD2). Identifiers: Orphanet 75840, MedGen C4225314, MONDO:0014654, OMIM 616470.
Bethlem myopathy 2 (BTHLM2). Identifiers: Orphanet 536516, Orphanet 610, MedGen C4225313, MONDO:0034022, OMIM 616471.

Allele frequency attached by ClinVar (database versions not stated): gnomAD exomes below 0.00001; gnomAD 0.00001.
gnomAD v4.1: 6 of 1,612,524 alleles (0.00037%); highest among the groups gnomAD compares: African/African-American, 0.0013%; no homozygotes.

Submission:

Labcorp Genetics (formerly Invitae), Labcorp
Classification: Uncertain significance for Bethlem myopathy 2; Ullrich congenital muscular dystrophy 2. Last evaluated: 2025-11-27. Review status: criteria provided, single submitter. Criteria: Invitae Variant Classification Sherloc (09022015). Collection method: clinical testing. Allele origin: germline.
Comment: This sequence change replaces leucine, which is neutral and non-polar, with isoleucine, which is neutral and non-polar, at codon 1177 of the COL12A1 protein (p.Leu1177Ile). This variant is not present in population databases (gnomAD no frequency). This variant has not been reported in the literature in individuals affected with COL12A1-related conditions. ClinVar contains an entry for this variant (Variation ID: 2026716). Invitae Evidence Modeling of protein sequence and biophysical properties (such as structural, functional, and spatial information, amino acid conservation, physicochemical variation, residue mobility, and thermodynamic stability) indicates that this missense variant is not expected to disrupt COL12A1 protein function with a negative predictive value of 80%. In summary, the available evidence is currently insufficient to determine the role of this variant in disease. Therefore, it has been classified as a Variant of Uncertain Significance.